The following is an entry in ClinVar:

NM_015046.7(SETX):c.4472C>G (p.Ala1491Gly)

Gene: SETX (senataxin; minus strand). Cytogenetic location: 9q34.13.
Variant type: single nucleotide variant.
Coding change: c.4472C>G on transcript NM_015046.7 (MANE Select); coding-DNA position 4472, C replaced by G.
Protein change: p.Ala1491Gly; replaces alanine 1491 with glycine.
Molecular consequence: missense variant.
Genome position (GRCh38, 1-based): chr9:132,327,126, G>C on the plus strand (C>G on the coding strand, the complement: SETX is on the minus strand). VCF-style: chr9-132327126-G-C. GRCh37 (hg19) VCF-style: chr9-135202513-G-C.
Other names: c.4472C>G, p.Ala1491Gly (NM_001351527.2, NM_001351528.2); short protein forms A1491G.
Identifiers: ClinVar variation 2947890 (VCV002947890.3), dbSNP rs1379319160, ClinGen allele CA375326188.

ClinVar aggregate classification (germline): Uncertain significance (1 of 4 stars; one submission).

Conditions:
Amyotrophic lateral sclerosis type 4 (ALS4). Also called: AMYOTROPHIC LATERAL SCLEROSIS 4, JUVENILE; NEURONOPATHY, DISTAL HEREDITARY MOTOR, WITH PYRAMIDAL FEATURES. Identifiers: Orphanet 357043, MedGen C1865409, MONDO:0011223, OMIM 602433.
Spinocerebellar ataxia, autosomal recessive, with axonal neuropathy 2 (SCAN2). Also called: Ataxia with Oculomotor Apraxia; Ataxia-ocular apraxia-2; ATAXIA-OCULOMOTOR APRAXIA 2; Ataxia with Oculomotor Apraxia Type 2. Identifiers: Orphanet 64753, MedGen C1853761, MONDO:0018996, OMIM 606002.

Submission:

Labcorp Genetics (formerly Invitae), Labcorp
Classification: Uncertain significance for Amyotrophic lateral sclerosis type 4; Spinocerebellar ataxia, autosomal recessive, with axonal neuropathy 2. Last evaluated: 2023-05-18. Review status: criteria provided, single submitter. Criteria: Invitae Variant Classification Sherloc (09022015). Collection method: clinical testing. Allele origin: germline.
Comment: This variant is not present in population databases (gnomAD no frequency). In summary, the available evidence is currently insufficient to determine the role of this variant in disease. Therefore, it has been classified as a Variant of Uncertain Significance. Advanced modeling of protein sequence and biophysical properties (such as structural, functional, and spatial information, amino acid conservation, physicochemical variation, residue mobility, and thermodynamic stability) performed at Invitae indicates that this missense variant is not expected to disrupt SETX protein function. This variant has not been reported in the literature in individuals affected with SETX-related conditions. This sequence change replaces alanine, which is neutral and non-polar, with glycine, which is neutral and non-polar, at codon 1491 of the SETX protein (p.Ala1491Gly).